The following is an entry in ClinVar:

NM_020928.2(ZSWIM6):c.1586G>C (p.Ser529Thr)

Gene: ZSWIM6 (zinc finger SWIM-type containing 6; plus strand). Cytogenetic location: 5q12.1.
Variant type: single nucleotide variant.
Coding change: c.1586G>C on transcript NM_020928.2 (MANE Select); coding-DNA position 1586, G replaced by C.
Protein change: p.Ser529Thr; replaces serine 529 with threonine.
Molecular consequence: missense variant.
Genome position (GRCh38, 1-based): chr5:61,525,872, G>C. VCF-style: chr5-61525872-G-C. GRCh37 (hg19) VCF-style: chr5-60821699-G-C.
Other names: short protein forms S529T.
Identifiers: ClinVar variation 4710865 (VCV004710865.1).
Genomic context (GRCh38, chr5:61,525,872, plus strand): 5'-GGCCACATCGGACAGTGTTCACCCGAGCCATCGAGGCATGCGATCTCCACTGGCAGGATA[G>C]CCACTTGCAGCACATTATCAGCAGTGACCTATACACCAACTACTGTTACCATGACGACAC-3'
Protein context (NP_065979.1, residues 519-539): IEACDLHWQD[Ser529Thr]HLQHIISSDL

ClinVar aggregate classification (germline): Uncertain significance (1 of 4 stars; one submission).

gnomAD v4.1: 1 of 1,551,884 alleles (0.000064%); highest among the groups gnomAD compares: Non-Finnish European, 0.000087%; no homozygotes.

Submission:

Labcorp Genetics (formerly Invitae), Labcorp
Classification: Uncertain significance. Last evaluated: 2025-06-18. Review status: criteria provided, single submitter. Criteria: Invitae Variant Classification Sherloc (09022015). Collection method: clinical testing. Allele origin: germline.
Comment: This sequence change replaces serine, which is neutral and polar, with threonine, which is neutral and polar, at codon 529 of the ZSWIM6 protein (p.Ser529Thr). This variant is present in population databases (no rsID available, gnomAD 0.002%). This variant has not been reported in the literature in individuals affected with ZSWIM6-related conditions. An algorithm developed to predict the effect of missense changes on protein structure and function (PolyPhen-2) suggests that this variant is likely to be tolerated. In summary, the available evidence is currently insufficient to determine the role of this variant in disease. Therefore, it has been classified as a Variant of Uncertain Significance.